The following is an entry in ClinVar:

NM_024757.5(EHMT1):c.2127C>T (p.Pro709=)

Gene: EHMT1 (euchromatic histone lysine methyltransferase 1; plus strand). Cytogenetic location: 9q34.3.
Variant type: single nucleotide variant.
Coding change: c.2127C>T on transcript NM_024757.5 (MANE Select); coding-DNA position 2127, C replaced by T.
Protein change: p.Pro709=; no amino-acid change (proline 709 retained).
Molecular consequence: synonymous variant.
Genome position (GRCh38, 1-based): chr9:137,777,990, C>T. VCF-style: chr9-137777990-C-T. GRCh37 (hg19) VCF-style: chr9-140672442-C-T.
Other names: c.2127C>T, p.Pro709= (NM_001145527.2); c.2034C>T, p.Pro678= (NM_001354259.2); c.2106C>T, p.Pro702= (NM_001354263.2).
Identifiers: ClinVar variation 366012 (VCV000366012.19), dbSNP rs150501660, ClinGen allele CA5374822.
Genomic context (GRCh38, chr9:137,777,990, plus strand): 5'-CTCCCACGTGCCCGAGGGCTTTGATCCAACGGGACCTGCTGGGCTTGGGAGGCCAACTCC[C>T]GGCCTTTCCCAGGGACCAGGGAAGGAAACCTTGGAGAGCGCTCTCATCGCCCTCGACTCG-3'
Protein context (NP_079033.4, residues 699-719): TGPAGLGRPT[Pro709=]GLSQGPGKET

ClinVar aggregate classification (germline): Likely benign. Review status: criteria provided, multiple submitters, no conflicts (2 of 4 stars). 5 submissions from 5 submitters: Likely benign (4). 1 of the submissions does not count toward it. Last evaluated 2026-01-11.

Conditions:
EHMT1-related disorder. Also called: EHMT1-related condition.
Kleefstra syndrome 1 (KLEFS1). Identifiers: Orphanet 261494, MedGen C0795833, MONDO:0027407, OMIM 610253.

Allele frequency attached by ClinVar (database versions not stated): gnomAD exomes 0.00002; ExAC 0.00004; TOPMed 0.00010; gnomAD 0.00011; ESP Exome Variant Server 0.00015; 1000 Genomes Project 30x 0.00016; 1000 Genomes Project 0.00020.
gnomAD v4.1: 159 of 1,613,902 alleles (0.0099%); highest among the groups gnomAD compares: Non-Finnish European, 0.012%; no homozygotes.

Submissions (5):

Labcorp Genetics (formerly Invitae), Labcorp
Classification: Likely benign for Kleefstra syndrome 1. Last evaluated: 2026-01-11. Review status: criteria provided, single submitter. Criteria: Invitae Variant Classification Sherloc (09022015). Collection method: clinical testing. Allele origin: germline.

ARUP Laboratories, Molecular Genetics and Genomics, ARUP Laboratories
Classification: Likely benign for Kleefstra syndrome 1. Last evaluated: 2025-03-26. Review status: criteria provided, single submitter. Criteria: ARUP Molecular Germline Variant Investigation Process 2024. Collection method: clinical testing. Allele origin: germline.

Blueprint Genetics
Classification: Likely benign. Last evaluated: 2024-09-18. Review status: criteria provided, single submitter. Criteria: ACMG Guidelines, 2015. Collection method: clinical testing. Allele origin: germline.

Revvity Omics, Revvity
Classification: Likely benign for Kleefstra syndrome 1. Last evaluated: 2023-10-20. Review status: criteria provided, single submitter. Criteria: ACMG Guidelines, 2015. Collection method: clinical testing. Allele origin: germline.

PreventionGenetics, part of Exact Sciences
Classification: Likely benign for EHMT1-related condition. Last evaluated: 2022-05-02. Review status: no assertion criteria provided. Collection method: clinical testing. Allele origin: germline. Not counted in ClinVar's aggregate classification.
Comment: This variant is classified as likely benign based on ACMG/AMP sequence variant interpretation guidelines (Richards et al. 2015 PMID: 25741868, with internal and published modifications).